The following is an entry in ClinVar:

NM_006516.4(SLC2A1):c.650A>C (p.Asn217Thr)

Gene: SLC2A1 (solute carrier family 2 member 1; minus strand). Cytogenetic location: 1p34.2.
Variant type: single nucleotide variant.
Coding change: c.650A>C on transcript NM_006516.4 (MANE Select); coding-DNA position 650, A replaced by C.
Protein change: p.Asn217Thr; replaces asparagine 217 with threonine.
Molecular consequence: missense variant.
Genome position (GRCh38, 1-based): chr1:42,929,902, T>G on the plus strand (A>C on the coding strand, the complement: SLC2A1 is on the minus strand). VCF-style: chr1-42929902-T-G. GRCh37 (hg19) VCF-style: chr1-43395573-T-G.
Other names: short protein forms N217T.
Identifiers: ClinVar variation 4822794 (VCV004822794.4).

ClinVar aggregate classification (germline): Uncertain significance (1 of 4 stars; one submission).

Submission:

CeGaT Center for Human Genetics Tuebingen
Classification: Uncertain significance. Last evaluated: 2026-01-01. Review status: criteria provided, single submitter. Criteria: CeGaT Center For Human Genetics Tuebingen Variant Classification Criteria Version 2. Collection method: clinical testing. Allele origin: germline. Affected: yes. Observed: 1 variant allele.
Comment: SLC2A1: PM2